The following is an entry in ClinVar:

ClinVar aggregate classification (germline): Uncertain significance (1 of 4 stars; one submission).

Conditions:
Familial thoracic aortic aneurysm and aortic dissection (TAAD). Also called: Thoracic aortic aneurysms and dissections. Identifiers: Orphanet 91387, MedGen C4707243, MONDO:0019625.

gnomAD v4.1: 6 of 1,613,094 alleles (0.00037%); highest among the groups gnomAD compares: Non-Finnish European, 0.00042%; no homozygotes.

Submission:

Ambry Genetics
Classification: Uncertain significance for Familial thoracic aortic aneurysm and aortic dissection. Last evaluated: 2026-06-27. Review status: criteria provided, single submitter. Criteria: Ambry Variant Classification Scheme 2023. Collection method: clinical testing. Allele origin: germline.
Comment: The p.G892R variant (also known as c.2674G>C), located in coding exon 32 of the COL5A1 gene, results from a G to C substitution at nucleotide position 2674. The glycine at codon 892 is replaced by arginine, an amino acid with dissimilar properties. This amino acid position is conserved. In addition, this alteration is predicted to be deleterious by in silico analysis. Based on the available evidence, the clinical significance of this variant remains unclear.

NM_000093.5(COL5A1):c.2674G>C (p.Gly892Arg)

Gene: COL5A1 (collagen type V alpha 1 chain; plus strand). Cytogenetic location: 9q34.3.
Variant type: single nucleotide variant.
Coding change: c.2674G>C on transcript NM_000093.5 (MANE Select); coding-DNA position 2674, G replaced by C.
Protein change: p.Gly892Arg; replaces glycine 892 with arginine.
Molecular consequence: missense variant.
Genome position (GRCh38, 1-based): chr9:134,789,182, G>C. VCF-style: chr9-134789182-G-C. GRCh37 (hg19) VCF-style: chr9-137681028-G-C.
Other names: c.2674G>C, p.Gly892Arg (NM_001278074.1); short protein forms G892R.
Identifiers: ClinVar variation 5034809 (VCV005034809.1).
Genomic context (GRCh38, chr9:134,789,182, plus strand): 5'-GCTCTGATGCCTCCTCCTTAAACTCTCTTTCAGGGCTCTATTGGATTCCCTGGATTTCCT[G>C]GCGCCAATGGAGAGAAGGGCGGCAGGGTAAGGATAGCCTGGCCCCTGGGCAGGCAGCTTG-3'
Protein context (NP_000084.3, residues 882-902): KGSIGFPGFP[Gly892Arg]ANGEKGGRGT